The following is an entry in ClinVar:

ClinVar aggregate classification (germline): Conflicting classifications of pathogenicity. Review status: criteria provided, conflicting classifications (1 of 4 stars). 3 submissions from 3 submitters: Likely pathogenic (1); Uncertain significance (2). Last evaluated 2026-03-26.

Allele frequency attached by ClinVar (database versions not stated): TOPMed 0.00002; gnomAD 0.00001 and 0.00002.
gnomAD v4.1: 6 of 1,611,714 alleles (0.00037%); highest among the groups gnomAD compares: African/African-American, 0.0053%; no homozygotes.

Submissions (3):

GeneDx
Classification: Likely pathogenic. Last evaluated: 2026-03-26. Review status: criteria provided, single submitter. Criteria: GeneDx Variant Classification Process June 2021. Collection method: clinical testing. Allele origin: germline.
Comment: Nonsense variant predicted to result in protein truncation or nonsense mediated decay in a gene for which loss of function is a known mechanism of disease; Not observed at significant frequency in large population cohorts (gnomAD); Has not been previously published as pathogenic or benign to our knowledge; Reported using an alternate transcript of the gene; This variant is associated with the following publications: (PMID: 32123222)

Women's Health and Genetics/Laboratory Corporation of America, LabCorp
Classification: Uncertain significance. Last evaluated: 2024-06-19. Review status: criteria provided, single submitter. Criteria: LabCorp Variant Classification Summary - May 2015. Collection method: clinical testing. Allele origin: germline.
Comment: Variant summary: LMNA c.357-3748C>T is located at a position not widely known to affect splicing. Consensus agreement among computation tools predict no significant impact on normal splicing. However, these predictions have yet to be confirmed by functional studies. This variant also corresponds to a nonsense variant expected to be subject to NMD in an alternate transcript (c.67C>T (p.Gln23X) in NM_001282624), however the clinical relevancy of this transcript has yet to be established. The variant was absent in 238134 control chromosomes. The available data on variant occurrences in the general population are insufficient to allow any conclusion about variant significance. To our knowledge, no occurrence of this variant in individuals affected with Cardiomyopathy or other LMNA-related disorders and no experimental evidence demonstrating its impact on protein function have been reported. ClinVar contains an entry for this variant (Variation ID: 1677590). Based on the evidence outlined above, the variant was classified as uncertain significance.

AiLife Diagnostics
Classification: Uncertain significance. Last evaluated: 2021-11-03. Review status: criteria provided, single submitter. Criteria: ACMG Guidelines, 2015. Collection method: clinical testing. Allele origin: germline. Affected: yes. Observed: 1 variant allele.

NM_170707.4(LMNA):c.357-3748C>T

Gene: LMNA (lamin A/C; plus strand). Cytogenetic location: 1q22.
Variant type: single nucleotide variant.
Coding change: c.357-3748C>T on transcript NM_170707.4 (MANE Select); 3748 bases into the intron before coding-DNA position 357, C replaced by T.
Molecular consequence: intron variant. On other transcripts: nonsense (1).
Genome position (GRCh38, 1-based): chr1:156,126,869, C>T. VCF-style: chr1-156126869-C-T. GRCh37 (hg19) VCF-style: chr1-156096660-C-T.
Other names: c.67C>T, p.Gln23Ter (NM_001282624.2); c.357-3748C>T (NM_001282625.2, NM_001282626.2, NM_170708.4 and 1 more transcripts); c.20+646C>T (NM_001257374.3); short protein forms Q23*.
Identifiers: ClinVar variation 1677590 (VCV001677590.4), dbSNP rs1048086299, ClinGen allele CA31005437.